The following is an entry in ClinVar:

NM_005857.5(ZMPSTE24):c.1059+3A>G

Gene: ZMPSTE24 (zinc metallopeptidase STE24; plus strand). Cytogenetic location: 1p34.2.
Variant type: single nucleotide variant.
Coding change: c.1059+3A>G on transcript NM_005857.5 (MANE Select); 3 bases into the intron after coding-DNA position 1059, A replaced by G.
Molecular consequence: intron variant.
Genome position (GRCh38, 1-based): chr1:40,286,032, A>G. VCF-style: chr1-40286032-A-G. GRCh37 (hg19) VCF-style: chr1-40751704-A-G.
Other names: p.?.
Identifiers: ClinVar variation 1406130 (VCV001406130.5), dbSNP rs183362017, ClinGen allele CA791145.

ClinVar aggregate classification (germline): Uncertain significance. Review status: criteria provided, multiple submitters, no conflicts (2 of 4 stars). 2 submissions from 2 submitters: Uncertain significance (2). Last evaluated 2025-11-14.

Allele frequency attached by ClinVar (database versions not stated): ESP Exome Variant Server 0.00008; ExAC 0.00013; gnomAD exomes 0.00015 and 0.00018; 1000 Genomes Project 30x 0.00016; gnomAD 0.00017 and 0.00019; 1000 Genomes Project 0.00020; TOPMed 0.00021.
gnomAD v4.1: 259 of 1,610,352 alleles (0.016%); highest among the groups gnomAD compares: Admixed American, 0.052%; no homozygotes.

Submissions (2):

Mayo Clinic Laboratories, Mayo Clinic
Classification: Uncertain significance. Last evaluated: 2025-11-14. Review status: criteria provided, single submitter. Criteria: ACMG Guidelines, 2015. Collection method: clinical testing. Allele origin: germline. Observed: 1 variant allele.
Comment: BP4

Labcorp Genetics (formerly Invitae), Labcorp
Classification: Uncertain significance. Last evaluated: 2025-09-22. Review status: criteria provided, single submitter. Criteria: Invitae Variant Classification Sherloc (09022015). Collection method: clinical testing. Allele origin: germline.
Comment: This sequence change falls in intron 8 of the ZMPSTE24 gene. It does not directly change the encoded amino acid sequence of the ZMPSTE24 protein. It affects a nucleotide within the consensus splice site. This variant is present in population databases (rs183362017, gnomAD 0.05%). This variant has not been reported in the literature in individuals affected with ZMPSTE24-related conditions. ClinVar contains an entry for this variant (Variation ID: 1406130). Variants that disrupt the consensus splice site are a relatively common cause of aberrant splicing (PMID: 17576681, 9536098). Algorithms developed to predict the effect of sequence changes on RNA splicing suggest that this variant is not likely to affect RNA splicing. In summary, the available evidence is currently insufficient to determine the role of this variant in disease. Therefore, it has been classified as a Variant of Uncertain Significance.

Literature cited by the submitters: PubMed 17576681 (cited by Labcorp Genetics (formerly Invitae), Labcorp); PubMed 9536098 (cited by Labcorp Genetics (formerly Invitae), Labcorp).